The following is an entry in ClinVar:

ClinVar aggregate classification (germline): Uncertain significance (1 of 4 stars; one submission).

Submission:

Labcorp Genetics (formerly Invitae), Labcorp
Classification: Uncertain significance. Last evaluated: 2024-04-02. Review status: criteria provided, single submitter. Criteria: Invitae Variant Classification Sherloc (09022015). Collection method: clinical testing. Allele origin: germline.
Comment: This sequence change replaces glutamic acid, which is acidic and polar, with alanine, which is neutral and non-polar, at codon 898 of the MICAL1 protein (p.Glu898Ala). This variant is not present in population databases (gnomAD no frequency). This variant has not been reported in the literature in individuals affected with MICAL1-related conditions. An algorithm developed to predict the effect of missense changes on protein structure and function (PolyPhen-2) suggests that this variant is likely to be disruptive. In summary, the available evidence is currently insufficient to determine the role of this variant in disease. Therefore, it has been classified as a Variant of Uncertain Significance.

NM_022765.4(MICAL1):c.2636A>C (p.Glu879Ala)

Gene: MICAL1 (microtubule associated monooxygenase, calponin and LIM domain containing 1; minus strand). Cytogenetic location: 6q21.
Variant type: single nucleotide variant.
Coding change: c.2636A>C on transcript NM_022765.4 (MANE Select); coding-DNA position 2636, A replaced by C.
Protein change: p.Glu879Ala; replaces glutamic acid 879 with alanine.
Molecular consequence: missense variant.
Genome position (GRCh38, 1-based): chr6:109,445,808, T>G on the plus strand (A>C on the coding strand, the complement: MICAL1 is on the minus strand). VCF-style: chr6-109445808-T-G. GRCh37 (hg19) VCF-style: chr6-109767011-T-G.
Other names: c.2378A>C, p.Glu793Ala (NM_001159291.2); c.2693A>C, p.Glu898Ala (NM_001286613.2); short protein forms E793A, E879A, E898A.
Identifiers: ClinVar variation 3606170 (VCV003606170.2).
Genomic context (GRCh38, chr6:109,445,808, plus strand): 5'-TGGCTGCACGCTGGCCCACTCACCTGTTCCACATCTGAGTCCAAAGGCACATCTTCTTCT[T>G]CCTCTTCACTGGAGAAGGGACTCTCTTTTTCCTCCTTCTCCATGGCCACAAGAGCTGAGA-3'
Protein context (NP_073602.3, residues 869-889): EKESPFSSEE[Glu879Ala]EEDVPLDSDV